The following is an entry in ClinVar:

ClinVar aggregate classification (germline): Uncertain significance (1 of 4 stars; one submission).

Allele frequency attached by ClinVar (database versions not stated): TOPMed below 0.00001.

Submission:

Labcorp Genetics (formerly Invitae), Labcorp
Classification: Uncertain significance. Last evaluated: 2022-11-01. Review status: criteria provided, single submitter. Criteria: Invitae Variant Classification Sherloc (09022015). Collection method: clinical testing. Allele origin: germline.
Comment: In summary, the available evidence is currently insufficient to determine the role of this variant in disease. Therefore, it has been classified as a Variant of Uncertain Significance. Advanced modeling of protein sequence and biophysical properties (such as structural, functional, and spatial information, amino acid conservation, physicochemical variation, residue mobility, and thermodynamic stability) performed at Invitae indicates that this missense variant is expected to disrupt CNGB3 protein function. ClinVar contains an entry for this variant (Variation ID: 1476936). This variant has not been reported in the literature in individuals affected with CNGB3-related conditions. This variant is not present in population databases (gnomAD no frequency). This sequence change replaces glycine, which is neutral and non-polar, with valine, which is neutral and non-polar, at codon 318 of the CNGB3 protein (p.Gly318Val).

NM_019098.5(CNGB3):c.953G>T (p.Gly318Val)

Gene: CNGB3 (cyclic nucleotide gated channel subunit beta 3; minus strand). Cytogenetic location: 8q21.3.
Variant type: single nucleotide variant.
Coding change: c.953G>T on transcript NM_019098.5 (MANE Select); coding-DNA position 953, G replaced by T.
Protein change: p.Gly318Val; replaces glycine 318 with valine.
Molecular consequence: missense variant.
Genome position (GRCh38, 1-based): chr8:86,647,838, C>A on the plus strand (G>T on the coding strand, the complement: CNGB3 is on the minus strand). VCF-style: chr8-86647838-C-A. GRCh37 (hg19) VCF-style: chr8-87660066-C-A.
Other names: short protein forms G318V.
Identifiers: ClinVar variation 1476936 (VCV001476936.6), dbSNP rs1203299105, ClinGen allele CA371448181.